The following is an entry in ClinVar:

ClinVar aggregate classification (germline): Uncertain significance (1 of 4 stars; one submission).

Conditions:
Familial thoracic aortic aneurysm and aortic dissection (TAAD). Also called: Thoracic aortic aneurysms and dissections. Identifiers: Orphanet 91387, MedGen C4707243, MONDO:0019625.

Submission:

Ambry Genetics
Classification: Uncertain significance for Familial thoracic aortic aneurysm and aortic dissection. Last evaluated: 2022-07-19. Review status: criteria provided, single submitter. Criteria: Ambry Variant Classification Scheme 2023. Collection method: clinical testing. Allele origin: germline.
Comment: The p.A1044P variant (also known as c.3130G>C), located in coding exon 15 of the MYLK gene, results from a G to C substitution at nucleotide position 3130. The alanine at codon 1044 is replaced by proline, an amino acid with highly similar properties. This amino acid position is conserved. In addition, this alteration is predicted to be tolerated by in silico analysis. Since supporting evidence is limited at this time, the clinical significance of this alteration remains unclear.

NM_053025.4(MYLK):c.3130G>C (p.Ala1044Pro)

Gene: MYLK (myosin light chain kinase; minus strand). Cytogenetic location: 3q21.1.
Variant type: single nucleotide variant.
Coding change: c.3130G>C on transcript NM_053025.4 (MANE Select); coding-DNA position 3130, G replaced by C.
Protein change: p.Ala1044Pro; replaces alanine 1044 with proline.
Molecular consequence: missense variant.
Genome position (GRCh38, 1-based): chr3:123,700,338, C>G on the plus strand (G>C on the coding strand, the complement: MYLK is on the minus strand). VCF-style: chr3-123700338-C-G. GRCh37 (hg19) VCF-style: chr3-123419185-C-G.
Other names: c.2602G>C, p.Ala868Pro (NM_001321309.2); c.2923G>C, p.Ala975Pro (NM_053026.4, NM_053028.4); c.3130G>C, p.Ala1044Pro (NM_053027.4); short protein forms A975P, A1044P, A868P.
Identifiers: ClinVar variation 1727964 (VCV001727964.2), dbSNP rs2474171927, ClinGen allele CA354229997.